The following is an entry in ClinVar:

ClinVar aggregate classification (germline): Uncertain significance (1 of 4 stars; one submission).

Allele frequency attached by ClinVar (database versions not stated): TOPMed below 0.00001.

Submission:

Labcorp Genetics (formerly Invitae), Labcorp
Classification: Uncertain significance. Last evaluated: 2022-02-18. Review status: criteria provided, single submitter. Criteria: Invitae Variant Classification Sherloc (09022015). Collection method: clinical testing. Allele origin: germline.
Comment: In summary, the available evidence is currently insufficient to determine the role of this variant in disease. Therefore, it has been classified as a Variant of Uncertain Significance. This sequence change replaces valine, which is neutral and non-polar, with isoleucine, which is neutral and non-polar, at codon 183 of the ECHS1 protein (p.Val183Ile). This variant is not present in population databases (gnomAD no frequency). This variant has not been reported in the literature in individuals affected with ECHS1-related conditions. Advanced modeling of protein sequence and biophysical properties (such as structural, functional, and spatial information, amino acid conservation, physicochemical variation, residue mobility, and thermodynamic stability) performed at Invitae indicates that this missense variant is expected to disrupt ECHS1 protein function.

NM_004092.4(ECHS1):c.547G>A (p.Val183Ile)

Gene: ECHS1 (enoyl-CoA hydratase, short chain 1; minus strand). Cytogenetic location: 10q26.3.
Variant type: single nucleotide variant.
Coding change: c.547G>A on transcript NM_004092.4 (MANE Select); coding-DNA position 547, G replaced by A.
Protein change: p.Val183Ile; replaces valine 183 with isoleucine.
Molecular consequence: missense variant.
Genome position (GRCh38, 1-based): chr10:133,366,961, C>T on the plus strand (G>A on the coding strand, the complement: ECHS1 is on the minus strand). VCF-style: chr10-133366961-C-T. GRCh37 (hg19) VCF-style: chr10-135180465-C-T.
Other names: short protein forms V183I.
Identifiers: ClinVar variation 2098649 (VCV002098649.4), dbSNP rs1849043107, ClinGen allele CA378819643.